The following is an entry in ClinVar:

NM_000135.4(FANCA):c.883G>A (p.Val295Met)

Gene: FANCA (FA complementation group A; minus strand). Cytogenetic location: 16q24.3.
Variant type: single nucleotide variant.
Coding change: c.883G>A on transcript NM_000135.4 (MANE Select); coding-DNA position 883, G replaced by A.
Protein change: p.Val295Met; replaces valine 295 with methionine.
Molecular consequence: missense variant.
Genome position (GRCh38, 1-based): chr16:89,799,176, C>T on the plus strand (G>A on the coding strand, the complement: FANCA is on the minus strand). VCF-style: chr16-89799176-C-T. GRCh37 (hg19) VCF-style: chr16-89865584-C-T.
Other names: c.883G>A, p.Val295Met (NM_001018112.3, NM_001286167.3); c.787G>A, p.Val263Met (NM_001351830.2); short protein forms V263M, V295M.
Identifiers: ClinVar variation 2681913 (VCV002681913.4), dbSNP rs113652135, ClinGen allele CA8252705.
Genomic context (GRCh38, chr16:89,799,176, plus strand): 5'-GCAGACACCTCCCTGCTGCACACTCAGGCAGGCCACCCTCAGGAACATACCAGCACCTCA[C>T]GATCTTGTGAGTGGAGGACTCCTCCTGTACTCCAGCAGCCAAAGCGTCAAGTGCAACTGA-3'
Protein context (NP_000126.2, residues 285-305): VQEESSTHKI[Val295Met]RCWFGVFSGH

ClinVar aggregate classification (germline): Uncertain significance. Review status: criteria provided, multiple submitters, no conflicts (2 of 4 stars). 4 submissions from 4 submitters: Uncertain significance (4). Last evaluated 2026-01-11.

Conditions:
Fanconi anemia (FA). Also called: Fanconi's anemia. Identifiers: Orphanet 84, MedGen C0015625, MeSH D005199, MONDO:0019391.
Inborn genetic diseases. Identifiers: MedGen C0950123, MeSH D030342.
Fanconi anemia complementation group A (FANCA). Also called: Fanconi anemia, group A; FANCA-Related Fanconi Anemia. Identifiers: Orphanet 84, MedGen C3469521, MONDO:0009215, OMIM 227650.

Allele frequency attached by ClinVar (database versions not stated): gnomAD exomes below 0.00001; ExAC 0.00001; TOPMed 0.00001.

Submissions (4):

Labcorp Genetics (formerly Invitae), Labcorp
Classification: Uncertain significance for Fanconi anemia. Last evaluated: 2026-01-11. Review status: criteria provided, single submitter. Criteria: Invitae Variant Classification Sherloc (09022015). Collection method: clinical testing. Allele origin: germline.
Comment: This sequence change replaces valine, which is neutral and non-polar, with methionine, which is neutral and non-polar, at codon 295 of the FANCA protein (p.Val295Met). This variant is present in population databases (rs113652135, gnomAD 0.006%). This variant has not been reported in the literature in individuals affected with FANCA-related conditions. ClinVar contains an entry for this variant (Variation ID: 2681913). Invitae Evidence Modeling of protein sequence and biophysical properties (such as structural, functional, and spatial information, amino acid conservation, physicochemical variation, residue mobility, and thermodynamic stability) indicates that this missense variant is not expected to disrupt FANCA protein function with a negative predictive value of 95%. In summary, the available evidence is currently insufficient to determine the role of this variant in disease. Therefore, it has been classified as a Variant of Uncertain Significance.

Ambry Genetics
Classification: Uncertain significance for Inborn genetic diseases. Last evaluated: 2025-01-18. Review status: criteria provided, single submitter. Criteria: Ambry Variant Classification Scheme 2023. Collection method: clinical testing. Allele origin: germline.
Comment: The p.V295M variant (also known as c.883G>A), located in coding exon 10 of the FANCA gene, results from a G to A substitution at nucleotide position 883. The valine at codon 295 is replaced by methionine, an amino acid with highly similar properties. This amino acid position is conserved. In addition, this alteration is predicted to be tolerated by in silico analysis. Based on the available evidence, the clinical significance of this variant remains unclear.

Fulgent Genetics
Classification: Uncertain significance for Fanconi anemia complementation group A. Last evaluated: 2024-01-24. Review status: criteria provided, single submitter. Criteria: ACMG Guidelines, 2015. Collection method: clinical testing. Allele origin: germline.

Quest Diagnostics Nichols Institute San Juan Capistrano
Classification: Uncertain significance. Last evaluated: 2022-12-21. Review status: criteria provided, single submitter. Criteria: Quest Diagnostics criteria. Collection method: clinical testing. Allele origin: unknown.
Comment: This variant has not been described in online databases, and to the best of our knowledge, has not been reported in individuals with FANCA-related conditions in the published literature. The frequency of this variant in the general population, 0.000008 (2/251314 chromosomes), is uninformative in assessment of its pathogenicity. Analysis of this variant using bioinformatics tools for the prediction of the effect of amino acid changes on protein structure and function yielded predictions that this variant is benign. Based on the available information, we are unable to determine the clinical significance of this variant.